The following is an entry in ClinVar:

NM_201566.3(SLC16A13):c.24del (p.Asp9fs)

Genes: SLC16A13 (solute carrier family 16 member 13; plus strand), LOC130060100 (ATAC-STARR-seq lymphoblastoid active region 11596; plus strand). Cytogenetic location: 17p13.1.
Variant type: Deletion.
Coding change: c.24del on transcript NM_201566.3 (MANE Select); coding-DNA position 24, one base deleted (C; older notation c.24delC).
Protein change: p.Asp9fs; shifts the reading frame from aspartic acid 9.
Molecular consequence: frameshift variant.
Genome position (GRCh38, 1-based): chr17:7,036,406, C deleted; the last of 6 consecutive C bases (chr17:7,036,401-7,036,406); deleting any one gives the same sequence. VCF-style (leftmost placement, unchanged base first): chr17-7036400-GC-G. GRCh37 (hg19) VCF-style: chr17-6939719-GC-G.
Other names: c.24delC (NM_201566.3); short protein forms D9fs.
Identifiers: ClinVar variation 3778822 (VCV003778822.1).
Genomic context (GRCh38, chr17:7,036,400, plus strand): 5'-TCCTGCAGAGGCTCTGGGTGGCAGCAGCCCTGTTACCGCTTAGATGGCGCGCAGGACAGA[GC>G]CCCCCGACGGGGGCTGGGGATGGGTGGTGGTGCTCTCAGCGTTCTTCCAGTCGGCGCTTG-3'

ClinVar aggregate classification (germline): Pathogenic (1 of 4 stars; one submission).

Conditions:
Short stature with nonspecific skeletal abnormalities 1 (SNSK1). Identifiers: MedGen CN379227, MONDO:0014551, OMIM 616255.

Submission:

Center of Excellence in Precision Medicine and Digital Health (CEPMDH), Faculty of Dentistry, Chulalongkorn University
Classification: Pathogenic for Short stature with nonspecific skeletal abnormalities 1. Review status: criteria provided, single submitter. Criteria: ACMG Guidelines, 2015. Collection method: research. Allele origin: germline, biparental. Inheritance: Autosomal recessive inheritance. Affected: no and yes. Observed: 3 variant alleles, 2 heterozygotes, 1 homozygote. Clinical features observed: Exercise-induced lactic acidemia (HP:0004901), Short stature (HP:0004322).
Comment: This variant was absent in gnomAD, GenomeAsia, and our in-house Thai exome database. Studies in Slc16a13 knockout mice have shown impaired lactate transport in the liver and reduced lactate utilization in primary hepatocytes (Schumann et al., 2021), providing a mechanistic link to the patient’s exercise-induced lactic acidosis. According to ACMG guidelines, it is classified as pathogenic.

Literature cited by the submitters: PubMed 34211098.